The following is an entry in ClinVar:

NM_000338.3(SLC12A1):c.2108C>A (p.Ala703Asp)

Gene: SLC12A1 (solute carrier family 12 member 1; plus strand). Cytogenetic location: 15q21.1.
Variant type: single nucleotide variant.
Coding change: c.2108C>A on transcript NM_000338.3 (MANE Select); coding-DNA position 2108, C replaced by A.
Protein change: p.Ala703Asp; replaces alanine 703 with aspartic acid.
Molecular consequence: missense variant.
Genome position (GRCh38, 1-based): chr15:48,259,265, C>A. VCF-style: chr15-48259265-C-A. GRCh37 (hg19) VCF-style: chr15-48551462-C-A.
Other names: c.2108C>A, p.Ala703Asp (NM_001184832.2, NM_001384136.1); short protein forms A703D.
Identifiers: ClinVar variation 1969830 (VCV001969830.3), dbSNP rs772951414, ClinGen allele CA7547288.
Genomic context (GRCh38, chr15:48,259,265, plus strand): 5'-AGTGCATTGTCTTAACAGGGGGACCCATGACAAGACCTGCTCTCCTGGACATAACTCACG[C>A]CTTTACCAAGAACAGTGGCCTTTGCATCTGCTGTGAAGTCTTTGTGGTAAGAGCCACTTC-3'
Protein context (NP_000329.2, residues 693-713): TRPALLDITH[Ala703Asp]FTKNSGLCIC

ClinVar aggregate classification (germline): Uncertain significance. Review status: criteria provided, multiple submitters, no conflicts (2 of 4 stars). 2 submissions from 2 submitters: Uncertain significance (2). Last evaluated 2024-03-12.

Conditions:
Bartter disease type 1. Also called: HYPERPROSTAGLANDIN E SYNDROME 1; HYPOKALEMIC ALKALOSIS WITH HYPERCALCIURIA 1, ANTENATAL; Bartter syndrome, type 1, antenatal; Bartter Syndrome type 1. Identifiers: Orphanet 112, Orphanet 620217, MedGen C1866495, MONDO:0100344, OMIM 601678, MONDO:0011127.

Allele frequency attached by ClinVar (database versions not stated): gnomAD exomes below 0.00001; ExAC 0.00001; TOPMed 0.00001; gnomAD 0.00003.
gnomAD v4.1: 5 of 1,613,734 alleles (0.00031%); highest among the groups gnomAD compares: African/African-American, 0.0067%; no homozygotes.

Submissions (2):

Fulgent Genetics
Classification: Uncertain significance for Bartter disease type 1. Last evaluated: 2024-03-12. Review status: criteria provided, single submitter. Criteria: ACMG Guidelines, 2015. Collection method: clinical testing. Allele origin: germline.

Labcorp Genetics (formerly Invitae), Labcorp
Classification: Uncertain significance. Last evaluated: 2022-08-06. Review status: criteria provided, single submitter. Criteria: Invitae Variant Classification Sherloc (09022015). Collection method: clinical testing. Allele origin: germline.
Comment: This sequence change replaces alanine, which is neutral and non-polar, with aspartic acid, which is acidic and polar, at codon 703 of the SLC12A1 protein (p.Ala703Asp). This variant is present in population databases (rs772951414, gnomAD 0.007%). This variant has not been reported in the literature in individuals affected with SLC12A1-related conditions. Algorithms developed to predict the effect of missense changes on protein structure and function (SIFT, PolyPhen-2, Align-GVGD) all suggest that this variant is likely to be tolerated. In summary, the available evidence is currently insufficient to determine the role of this variant in disease. Therefore, it has been classified as a Variant of Uncertain Significance.